The following is an entry in ClinVar:

ClinVar aggregate classification (germline): Uncertain significance (1 of 4 stars; one submission).

Conditions:
SETD2-related disorder.

Submission:

PreventionGenetics, part of Exact Sciences
Classification: Uncertain significance for SETD2-related condition. Last evaluated: 2022-11-05. Review status: criteria provided, single submitter. Criteria: ACMG Guidelines, 2015. Collection method: clinical testing. Allele origin: germline.
Comment: The SETD2 c.5548C>A variant is predicted to result in the amino acid substitution p.Arg1850Ser. To our knowledge, this variant has not been reported in the literature or in a large population database, indicating this variant is rare. At this time, the clinical significance of this variant is uncertain due to the absence of conclusive functional and genetic evidence.

NM_014159.7(SETD2):c.5548C>A (p.Arg1850Ser)

Gene: SETD2 (SET domain containing 2, histone lysine methyltransferase; minus strand). Cytogenetic location: 3p21.31.
Variant type: single nucleotide variant.
Coding change: c.5548C>A on transcript NM_014159.7 (MANE Select); coding-DNA position 5548, C replaced by A.
Protein change: p.Arg1850Ser; replaces arginine 1850 with serine.
Molecular consequence: missense variant. On other transcripts: non-coding transcript variant (1).
Genome position (GRCh38, 1-based): chr3:47,084,232, G>T on the plus strand (C>A on the coding strand, the complement: SETD2 is on the minus strand). VCF-style: chr3-47084232-G-T. GRCh37 (hg19) VCF-style: chr3-47125722-G-T.
Other names: c.5416C>A, p.Arg1806Ser (NM_001349370.3); short protein forms R1806S, R1850S.
Identifiers: ClinVar variation 2635456 (VCV002635456.1), dbSNP rs376063996, ClinGen allele CA352536291.
Genomic context (GRCh38, chr3:47,084,232, plus strand): 5'-TGTCAGCTTCTGTGCTCAGCTTGGTGGAAGGATCAGGTGTGTTGAGTGGTGTATGAGCAC[G>T]CGATGTATTCTCACTAGAATACCCATCTCCTTCACTCAACGGAGGGACAGCAGTCTTAGT-3'
Protein context (NP_054878.5, residues 1840-1860): GDGYSSENTS[Arg1850Ser]AHTPLNTPDP